The following is an entry in ClinVar:

NM_000482.4(APOA4):c.13G>A (p.Ala5Thr)

Gene: APOA4 (apolipoprotein A4; minus strand). Cytogenetic location: 11q23.3.
Variant type: single nucleotide variant.
Coding change: c.13G>A on transcript NM_000482.4 (MANE Select); coding-DNA position 13, G replaced by A.
Protein change: p.Ala5Thr; replaces alanine 5 with threonine.
Molecular consequence: missense variant.
Genome position (GRCh38, 1-based): chr11:116,823,179, C>T on the plus strand (G>A on the coding strand, the complement: APOA4 is on the minus strand). VCF-style: chr11-116823179-C-T. GRCh37 (hg19) VCF-style: chr11-116693895-C-T.
Other names: short protein forms A5T.
Identifiers: ClinVar variation 2804634 (VCV002804634.3), dbSNP rs759823309, ClinGen allele CA6289575.

ClinVar aggregate classification (germline): Uncertain significance (1 of 4 stars; one submission).

Allele frequency attached by ClinVar (database versions not stated): gnomAD exomes below 0.00001; ExAC 0.00001.
gnomAD v4.1: 2 of 1,614,124 alleles (0.00012%); highest among the groups gnomAD compares: Middle Eastern, 0.016%; no homozygotes.

Submission:

Labcorp Genetics (formerly Invitae), Labcorp
Classification: Uncertain significance. Last evaluated: 2024-09-05. Review status: criteria provided, single submitter. Criteria: Invitae Variant Classification Sherloc (09022015). Collection method: clinical testing. Allele origin: germline.
Comment: This sequence change replaces alanine, which is neutral and non-polar, with threonine, which is neutral and polar, at codon 5 of the APOA4 protein (p.Ala5Thr). This variant is present in population databases (rs759823309, gnomAD 0.0009%). This variant has not been reported in the literature in individuals affected with APOA4-related conditions. Invitae Evidence Modeling of protein sequence and biophysical properties (such as structural, functional, and spatial information, amino acid conservation, physicochemical variation, residue mobility, and thermodynamic stability) indicates that this missense variant is not expected to disrupt APOA4 protein function with a negative predictive value of 80%. In summary, the available evidence is currently insufficient to determine the role of this variant in disease. Therefore, it has been classified as a Variant of Uncertain Significance.